The following is an entry in ClinVar:

NM_004104.5(FASN):c.7368G>C (p.Glu2456Asp)

Gene: FASN (fatty acid synthase; minus strand). Cytogenetic location: 17q25.3.
Variant type: single nucleotide variant.
Coding change: c.7368G>C on transcript NM_004104.5 (MANE Select); coding-DNA position 7368, G replaced by C.
Protein change: p.Glu2456Asp; replaces glutamic acid 2456 with aspartic acid.
Molecular consequence: missense variant.
Genome position (GRCh38, 1-based): chr17:82,079,387, C>G on the plus strand (G>C on the coding strand, the complement: FASN is on the minus strand). VCF-style: chr17-82079387-C-G. GRCh37 (hg19) VCF-style: chr17-80037263-C-G.
Other names: short protein forms E2456D.
Identifiers: ClinVar variation 948340 (VCV000948340.9), dbSNP rs2033947765, ClinGen allele CA401594849.
Genomic context (GRCh38, chr17:82,079,387, plus strand): 5'-GTCCCCGTTCCCGTCAGGCCCCTTGCGCACCTGGGAGAGGTTGTAGTCCGCGCCCAGGTC[C>G]TCGCCGTAGGCGCCACCCGTCTTGGCGCGCAGTAGCATCACGTTGCCATGGTACTTGGCC-3'
Protein context (NP_004095.4, residues 2446-2466): LRAKTGGAYG[Glu2456Asp]DLGADYNLSQ

ClinVar aggregate classification (germline): Uncertain significance (1 of 4 stars; one submission).

Conditions:
Epileptic encephalopathy. Identifiers: MedGen C0543888, HP:0200134.

Submission:

Labcorp Genetics (formerly Invitae), Labcorp
Classification: Uncertain significance for Epileptic encephalopathy. Last evaluated: 2022-08-31. Review status: criteria provided, single submitter. Criteria: Invitae Variant Classification Sherloc (09022015). Collection method: clinical testing. Allele origin: germline.
Comment: ClinVar contains an entry for this variant (Variation ID: 948340). In summary, the available evidence is currently insufficient to determine the role of this variant in disease. Therefore, it has been classified as a Variant of Uncertain Significance. Algorithms developed to predict the effect of missense changes on protein structure and function output the following: SIFT: "Tolerated"; PolyPhen-2: "Benign"; Align-GVGD: "Class C0". The aspartic acid amino acid residue is found in multiple mammalian species, which suggests that this missense change does not adversely affect protein function. This variant has not been reported in the literature in individuals affected with FASN-related conditions. This variant is not present in population databases (gnomAD no frequency). This sequence change replaces glutamic acid, which is acidic and polar, with aspartic acid, which is acidic and polar, at codon 2456 of the FASN protein (p.Glu2456Asp).